The following is an entry in ClinVar:

ClinVar aggregate classification (germline): Pathogenic (1 of 4 stars; one submission).

Conditions:
Immunodeficiency 35 (IMD35). Also called: HIES WITH ATYPICAL MYCOBACTERIOSIS, AUTOSOMAL RECESSIVE; HYPER-IgE SYNDROME WITH ATYPICAL MYCOBACTERIOSIS, AUTOSOMAL RECESSIVE; TYK2 DEFICIENCY; Susceptibility to infection due to TYK2 deficiency. Identifiers: Orphanet 331226, MedGen C1969086, MONDO:0012682, OMIM 611521.

Submission:

Labcorp Genetics (formerly Invitae), Labcorp
Classification: Pathogenic for Immunodeficiency 35. Last evaluated: 2025-06-27. Review status: criteria provided, single submitter. Criteria: Invitae Variant Classification Sherloc (09022015). Collection method: clinical testing. Allele origin: germline.
Comment: This sequence change creates a premature translational stop signal (p.Leu1044*) in the TYK2 gene. It is expected to result in an absent or disrupted protein product. Loss-of-function variants in TYK2 are known to be pathogenic (PMID: 22402565, 26304966). This variant is not present in population databases (gnomAD no frequency). This variant has not been reported in the literature in individuals affected with TYK2-related conditions. For these reasons, this variant has been classified as Pathogenic.

Literature cited by the submitters: PubMed 22402565; PubMed 26304966.

NM_003331.5(TYK2):c.3130del (p.Gly1043_Leu1044insTer)

Gene: TYK2 (tyrosine kinase 2; minus strand). Cytogenetic location: 19p13.2.
Variant type: Deletion.
Coding change: c.3130del on transcript NM_003331.5 (MANE Select); coding-DNA position 3130, one base deleted (C; older notation c.3130delC).
Protein change: p.Gly1043_Leu1044insTer.
Molecular consequence: nonsense.
Genome position (GRCh38, 1-based): chr19:10,352,996, G deleted on the plus strand (C on the coding strand, the reverse complement: TYK2 is on the minus strand); the first of 2 consecutive G bases (chr19:10,352,996-10,352,997); deleting either gives the same sequence. VCF-style (leftmost placement, unchanged base first): chr19-10352995-AG-A. GRCh37 (hg19) VCF-style: chr19-10463671-AG-A.
Other names: c.3130del, p.Gly1043_Leu1044insTer (NM_001385197.1, NM_001385198.1, NM_001406461.1); c.2944del, p.Gly981_Leu982insTer (NM_001385199.1); c.3127del, p.Gly1042_Leu1043insTer (NM_001385200.1); c.2932del, p.Gly977_Leu978insTer (NM_001385201.1); c.3046del, p.Gly1015_Leu1016insTer (NM_001385202.1); c.3211del, p.Gly1070_Leu1071insTer (NM_001385203.1); c.3340del, p.Gly1113_Leu1114insTer (NM_001385204.1); c.3040del, p.Gly1013_Leu1014insTer (NM_001385205.1); and 2 more.
Identifiers: ClinVar variation 4803569 (VCV004803569.1).
Genomic context (GRCh38, chr19:10,352,995, plus strand): 5'-GGGCTGTCCCCATCCTCGCGCACGCGGTAGTACTCGTGGCCTTCGGGCACGGCCTTGGCT[AG>A]GCCAAAGTCCCCGATCTTGACCAGCCTGTCGTTGTCCAGCAGCACGTTGCGCGCGGCTAG-3'